The following is an entry in ClinVar:

ClinVar aggregate classification (germline): Uncertain significance (1 of 4 stars; one submission).

Submission:

Labcorp Genetics (formerly Invitae), Labcorp
Classification: Uncertain significance. Last evaluated: 2025-05-14. Review status: criteria provided, single submitter. Criteria: Invitae Variant Classification Sherloc (09022015). Collection method: clinical testing. Allele origin: germline.
Comment: This sequence change replaces serine, which is neutral and polar, with tyrosine, which is neutral and polar, at codon 342 of the IL12RB2 protein (p.Ser342Tyr). This variant is not present in population databases (gnomAD no frequency). This variant has not been reported in the literature in individuals affected with IL12RB2-related conditions. An algorithm developed to predict the effect of missense changes on protein structure and function (PolyPhen-2) suggests that this variant is likely to be disruptive. In summary, the available evidence is currently insufficient to determine the role of this variant in disease. Therefore, it has been classified as a Variant of Uncertain Significance.

NM_001374259.2(IL12RB2):c.1025C>A (p.Ser342Tyr)

Gene: IL12RB2 (interleukin 12 receptor subunit beta 2; plus strand). Cytogenetic location: 1p31.3.
Variant type: single nucleotide variant.
Coding change: c.1025C>A on transcript NM_001374259.2 (MANE Select); coding-DNA position 1025, C replaced by A.
Protein change: p.Ser342Tyr; replaces serine 342 with tyrosine.
Molecular consequence: missense variant. On other transcripts: non-coding transcript variant (2).
Genome position (GRCh38, 1-based): chr1:67,338,690, C>A. VCF-style: chr1-67338690-C-A. GRCh37 (hg19) VCF-style: chr1-67804373-C-A.
Other names: c.1025C>A, p.Ser342Tyr (NM_001258214.1, NM_001258215.1, NM_001258216.1 and 2 more transcripts); short protein forms S342Y.
Identifiers: ClinVar variation 4761292 (VCV004761292.1).